The following is an entry in ClinVar:

GRCh38/hg38 9q34.3(chr9:137484248-137696525)x3

Genes: ARRDC1 (arrestin domain containing 1; plus strand), ARRDC1-AS1 (ARRDC1 antisense RNA 1; minus strand), DPH7 (diphthamide biosynthesis 7; minus strand), EHMT1 (euchromatic histone lysine methyltransferase 1; plus strand), MRPL41 (mitochondrial ribosomal protein L41; plus strand) and 24 more. Cytogenetic location: 9q34.3.
Variant type: copy number gain.
Change: copy number 3 (three copies instead of two) of chr9:137,484,248-137,696,525 (212.3 kb, GRCh38 coordinates, 1-based), cytogenetic band 9q34.3.
Identifiers: ClinVar variation 446701 (VCV000446701.1).

ClinVar aggregate classification (germline): Uncertain significance (1 of 4 stars; one submission).

Submission:

ISCA site 15
Classification: Uncertain significance. Last evaluated: 2017-08-30. Review status: criteria provided, single submitter. Criteria: Kaminsky et al. (Genet Med. 2011). Collection method: clinical testing. Allele origin: paternal. Affected: yes. Observed: 1 variant allele.
Comment: This is a duplication and involves only part of the gene EHMT1. The majority of partial duplications are tandem and in direct orientation and do not disrupt the function but we cannot prove this by array.

Copy number variation identified through the course of routine clinical cytogenomic testing in postnatal populations, with clinical assertions as classified by the original submitter.

Copy number variation identified through the course of routine clinical cytogenomic testing in postnatal populations. Clinical assertions have been curated as described in Kaminsky et al. 2011.